The following is an entry in ClinVar:

NM_003458.4(BSN):c.3623C>T (p.Ala1208Val)

Gene: BSN (bassoon presynaptic cytomatrix protein; plus strand). Cytogenetic location: 3p21.31.
Variant type: single nucleotide variant.
Coding change: c.3623C>T on transcript NM_003458.4 (MANE Select); coding-DNA position 3623, C replaced by T.
Protein change: p.Ala1208Val; replaces alanine 1208 with valine.
Molecular consequence: missense variant.
Genome position (GRCh38, 1-based): chr3:49,653,179, C>T. VCF-style: chr3-49653179-C-T. GRCh37 (hg19) VCF-style: chr3-49690612-C-T.
Other names: short protein forms A1208V.
Identifiers: ClinVar variation 5017728 (VCV005017728.1).

ClinVar aggregate classification (germline): Uncertain significance (1 of 4 stars; one submission).

gnomAD v4.1: 1 of 1,611,414 alleles (0.000062%); highest among the groups gnomAD compares: Non-Finnish European, 0.000085%; no homozygotes.

Submission:

GeneDx
Classification: Uncertain significance. Last evaluated: 2026-03-27. Review status: criteria provided, single submitter. Criteria: GeneDx Variant Classification Process June 2021. Collection method: clinical testing. Allele origin: germline.
Comment: Not observed at significant frequency in large population cohorts (gnomAD); In silico analysis suggests that this missense variant does not alter protein structure/function; Has not been previously published as pathogenic or benign to our knowledge